The following is an entry in ClinVar:

NM_002303.6(LEPR):c.-5G>C

Gene: LEPR (leptin receptor; plus strand). Cytogenetic location: 1p31.3.
Variant type: single nucleotide variant.
Coding change: c.-5G>C on transcript NM_002303.6 (MANE Select); 5 bases upstream of the start codon, G replaced by C.
Molecular consequence: 5 prime UTR variant.
Genome position (GRCh38, 1-based): chr1:65,565,561, G>C. VCF-style: chr1-65565561-G-C. GRCh37 (hg19) VCF-style: chr1-66031244-G-C.
Other names: c.-5G>C (NM_001003679.3, NM_001003680.3, NM_001198687.2 and 2 more transcripts).
Identifiers: ClinVar variation 3351981 (VCV003351981.1).

ClinVar aggregate classification (germline): Likely benign (0 of 4 stars; one submission).

Conditions:
LEPR-related disorder. Also called: LEPR-related condition; LEPR-related disorders.

gnomAD v4.1: 25 of 1,613,858 alleles (0.0015%); highest among the groups gnomAD compares: East Asian, 0.056%; no homozygotes.

Submission:

PreventionGenetics, part of Exact Sciences
Classification: Likely benign for LEPR-related condition. Last evaluated: 2023-08-23. Review status: no assertion criteria provided. Collection method: clinical testing. Allele origin: germline.
Comment: This variant is classified as likely benign based on ACMG/AMP sequence variant interpretation guidelines (Richards et al. 2015 PMID: 25741868, with internal and published modifications).